The following is an entry in ClinVar:

NM_025103.4(IFT74):c.952G>T (p.Glu318Ter)

Gene: IFT74 (intraflagellar transport 74; plus strand). Cytogenetic location: 9p21.2.
Variant type: single nucleotide variant.
Coding change: c.952G>T on transcript NM_025103.4 (MANE Select); coding-DNA position 952, G replaced by T.
Protein change: p.Glu318Ter; replaces glutamic acid 318 with a stop codon.
Molecular consequence: nonsense.
Genome position (GRCh38, 1-based): chr9:27,018,665, G>T. VCF-style: chr9-27018665-G-T. GRCh37 (hg19) VCF-style: chr9-27018663-G-T.
Other names: c.952G>T, p.Glu318Ter (NM_001099222.3, NM_001099223.3, NM_001099224.3 and 1 more transcripts); short protein forms E318*.
Identifiers: ClinVar variation 2081790 (VCV002081790.4), dbSNP rs754711653, ClinGen allele CA373120689.

ClinVar aggregate classification (germline): Pathogenic (1 of 4 stars; one submission).

Submission:

Labcorp Genetics (formerly Invitae), Labcorp
Classification: Pathogenic. Last evaluated: 2025-06-23. Review status: criteria provided, single submitter. Criteria: Invitae Variant Classification Sherloc (09022015). Collection method: clinical testing. Allele origin: germline.
Comment: This sequence change creates a premature translational stop signal (p.Glu318*) in the IFT74 gene. It is expected to result in an absent or disrupted protein product. Loss-of-function variants in IFT74 are known to be pathogenic (PMID: 33531668). This variant is not present in population databases (gnomAD no frequency). This variant has not been reported in the literature in individuals affected with IFT74-related conditions. ClinVar contains an entry for this variant (Variation ID: 2081790). Algorithms developed to predict the effect of sequence changes on RNA splicing suggest that this variant may disrupt the consensus splice site. For these reasons, this variant has been classified as Pathogenic.

Literature cited by the submitters: PubMed 33531668.